The following is an entry in ClinVar:

NM_177438.3(DICER1):c.3641C>T (p.Thr1214Ile)

Gene: DICER1 (dicer 1, ribonuclease III; minus strand). Cytogenetic location: 14q32.13.
Variant type: single nucleotide variant.
Coding change: c.3641C>T on transcript NM_177438.3 (MANE Select); coding-DNA position 3641, C replaced by T.
Protein change: p.Thr1214Ile; replaces threonine 1214 with isoleucine.
Molecular consequence: missense variant.
Genome position (GRCh38, 1-based): chr14:95,103,755, G>A on the plus strand (C>T on the coding strand, the complement: DICER1 is on the minus strand). VCF-style: chr14-95103755-G-A. GRCh37 (hg19) VCF-style: chr14-95570092-G-A.
Other names: c.3641C>T, p.Thr1214Ile (NM_001195573.1, NM_001271282.3, NM_001291628.2 and 1 more transcripts); short protein forms T1214I.
Identifiers: ClinVar variation 543655 (VCV000543655.11), dbSNP rs769277842, ClinGen allele CA7331013.

ClinVar aggregate classification (germline): Uncertain significance. Review status: criteria provided, multiple submitters, no conflicts (2 of 4 stars). 2 submissions from 2 submitters: Uncertain significance (2). Last evaluated 2025-03-22.

Conditions:
DICER1-related tumor predisposition. Also called: DICER1-related pleuropulmonary blastoma cancer predisposition syndrome; DICER1 syndrome. Identifiers: Orphanet 284343, MedGen C3839822, MONDO:0100216.
Hereditary cancer-predisposing syndrome. Also called: Neoplastic Syndromes, Hereditary; Tumor predisposition; Hereditary Cancer Syndrome; Hereditary neoplastic syndrome. Identifiers: Orphanet 140162, MedGen C0027672, MeSH D009386, MONDO:0015356.

Allele frequency attached by ClinVar (database versions not stated): gnomAD exomes below 0.00001; ExAC 0.00001.
gnomAD v4.1: 2 of 1,614,206 alleles (0.00012%); highest among the groups gnomAD compares: Non-Finnish European, 0.00017%; no homozygotes.

Submissions (2):

Ambry Genetics
Classification: Uncertain significance for Hereditary cancer-predisposing syndrome. Last evaluated: 2025-03-22. Review status: criteria provided, single submitter. Criteria: Ambry Variant Classification Scheme 2023. Collection method: clinical testing. Allele origin: germline.
Comment: The p.T1214I variant (also known as c.3641C>T), located in coding exon 20 of the DICER1 gene, results from a C to T substitution at nucleotide position 3641. The threonine at codon 1214 is replaced by isoleucine, an amino acid with similar properties. This amino acid position is conserved. In addition, the in silico prediction for this alteration is inconclusive. Based on the available evidence, the clinical significance of this variant remains unclear.

Labcorp Genetics (formerly Invitae), Labcorp
Classification: Uncertain significance for DICER1-related tumor predisposition. Last evaluated: 2024-09-04. Review status: criteria provided, single submitter. Criteria: Invitae Variant Classification Sherloc (09022015). Collection method: clinical testing. Allele origin: germline.
Comment: This sequence change replaces threonine, which is neutral and polar, with isoleucine, which is neutral and non-polar, at codon 1214 of the DICER1 protein (p.Thr1214Ile). This variant is present in population databases (rs769277842, gnomAD 0.0009%). This variant has not been reported in the literature in individuals affected with DICER1-related conditions. ClinVar contains an entry for this variant (Variation ID: 543655). Invitae Evidence Modeling of protein sequence and biophysical properties (such as structural, functional, and spatial information, amino acid conservation, physicochemical variation, residue mobility, and thermodynamic stability) has been performed for this missense variant. However, the output from this modeling did not meet the statistical confidence thresholds required to predict the impact of this variant on DICER1 protein function. In summary, the available evidence is currently insufficient to determine the role of this variant in disease. Therefore, it has been classified as a Variant of Uncertain Significance.